The following is an entry in ClinVar:

ClinVar aggregate classification (germline): Likely pathogenic. Review status: criteria provided, multiple submitters, no conflicts (2 of 4 stars). 6 submissions from 6 submitters: Likely pathogenic (5). 1 of the submissions does not count toward it. Last evaluated 2026-03-20.

Conditions:
CFTR-related disorder (CFTR-RD). Also called: CFTR-related disorders; CFTR-related condition. Identifiers: MedGen C5924204, MONDO:7770004.
Bronchiectasis with or without elevated sweat chloride 1 (BESC1). Also called: Cystic Fibrosis-Like Syndrome. Identifiers: Orphanet 60033, MedGen C2749757, MONDO:0008887, OMIM 211400.
Hereditary pancreatitis (PCTT). Also called: PRSS1-Related Hereditary Pancreatitis; Hereditary chronic pancreatitis. Identifiers: Orphanet 676, MedGen C0238339, MONDO:0008185, OMIM 167800.
Cystic fibrosis (CF). Also called: MUCOVISCIDOSIS. Identifiers: Orphanet 586, MedGen C0010674, MONDO:0009061, OMIM 219700. Disease mechanism: loss of function.
Congenital bilateral aplasia of vas deferens from CFTR mutation (CBAVD). Identifiers: Orphanet 48, MedGen C0403814, MONDO:0010178, OMIM 277180. Disease mechanism: loss of function.

Allele frequency attached by ClinVar (database versions not stated): gnomAD exomes below 0.00001.
gnomAD v4.1: 1 of 1,613,846 alleles (0.000062%); highest among the groups gnomAD compares: Non-Finnish European, 0.000085%; no homozygotes.

Submissions (6):

Ambry Genetics
Classification: Likely pathogenic for Cystic fibrosis. Last evaluated: 2026-03-20. Review status: criteria provided, single submitter. Criteria: Ambry Variant Classification Scheme 2023. Collection method: clinical testing. Allele origin: germline.
Comment: The p.Y109N variant (also known as c.325T>A), located in coding exon 4 of the CFTR gene, results from a T to A substitution at nucleotide position 325. The tyrosine at codon 109 is replaced by asparagine, an amino acid with dissimilar properties. This variant has been reported in multiple individuals with an elevated sweat chloride level in The Clinical and Functional TRanslation of CFTR (CFTR2) database (available at CFTR2. Accessed 03/19/2026). In an assay testing CFTR function, this variant showed a functionally abnormal result (Bihler H et al. J Cyst Fibros, 2024 Jul;23:664-675). This amino acid position is well conserved in available vertebrate species. In addition, this alteration is predicted to be deleterious by in silico analysis. This variant is considered to be rare based on population cohorts in the Genome Aggregation Database (gnomAD). Based on the majority of available evidence to date, this variant is likely to be pathogenic.

Natera, Inc.
Classification: Likely pathogenic for CFTR-related disorders. Last evaluated: 2025-10-15. Review status: criteria provided, single submitter. Criteria: Natera Variant Classification Schema (03/2026). Collection method: clinical testing. Allele origin: germline.
Comment: The c.325T>A variant in CFTR is a missense variant predicted to cause substitution of tyrosine to asparagine at amino acid 109. This variant is rare in the general population with a frequency below the threshold expected for the associated phenotype(s). This variant has been observed in one or more individuals affected with the associated recessive disease, as either homozygous or compound heterozygous with a second variant (PMID: 15591474). A different variant at the same position has been determined to be Pathogenic or Likely Pathogenic. Computational prediction algorithms indicate this variant is likely to affect gene or protein function. Given the available evidence, this variant is classified as Likely Pathogenic.

Women's Health and Genetics/Laboratory Corporation of America, LabCorp
Classification: Likely pathogenic for Cystic fibrosis. Last evaluated: 2024-11-14. Review status: criteria provided, single submitter. Criteria: LabCorp Variant Classification Summary - May 2015. Collection method: clinical testing. Allele origin: germline.
Comment: Variant summary: CFTR c.325T>A (p.Tyr109Asn) results in a non-conservative amino acid change located in the ABC transporter type 1, transmembrane domain of the encoded protein sequence. Five of five in-silico tools predict a damaging effect of the variant on protein function. The variant allele was found at a frequency of 4e-06 in 251124 control chromosomes. c.325T>A has been reported in the literature in individuals affected with Cystic Fibrosis, including at least one patient who had a late diagnosis and an individual with intermmediate sweat chloride levels (e.g. Dragomir_2001, Schaedel_2002, Rodman_2005, Abou Alaiwa_2014, Raraigh_2022). A different variant affecting the same codon has been classified as pathogenic by our lab (c.326A>G, p.Tyr109Cys), supporting the critical relevance of codon 109 to CFTR protein function. At least one publication reports experimental evidence evaluating an impact on protein function. The most pronounced variant effect resulted in approximately (Gt channel conductance) 4% of normal chloride channel conductance relative to wild type (e.g., Bihler_2024). The following publications have been ascertained in the context of this evaluation (PMID: 24418186, 38388235, 11555145, 34782259, 15591474, 12001283). ClinVar contains an entry for this variant (Variation ID: 53695). Based on the evidence outlined above, the variant was classified as likely pathogenic.

Fulgent Genetics
Classification: Likely pathogenic for Hereditary pancreatitis; Bronchiectasis with or without elevated sweat chloride 1; Cystic fibrosis; Congenital bilateral aplasia of vas deferens from CFTR mutation. Last evaluated: 2024-04-07. Review status: criteria provided, single submitter. Criteria: ACMG Guidelines, 2015. Collection method: clinical testing. Allele origin: germline.

Labcorp Genetics (formerly Invitae), Labcorp
Classification: Likely pathogenic for Cystic fibrosis. Last evaluated: 2022-11-29. Review status: criteria provided, single submitter. Criteria: Invitae Variant Classification Sherloc (09022015). Collection method: clinical testing. Allele origin: germline.
Comment: Advanced modeling of protein sequence and biophysical properties (such as structural, functional, and spatial information, amino acid conservation, physicochemical variation, residue mobility, and thermodynamic stability) performed at Invitae indicates that this missense variant is expected to disrupt CFTR protein function. This variant disrupts the p.Tyr109 amino acid residue in CFTR. Other variant(s) that disrupt this residue have been determined to be pathogenic (PMID: 32539862). This suggests that this residue is clinically significant, and that variants that disrupt this residue are likely to be disease-causing. In summary, the currently available evidence indicates that the variant is pathogenic, but additional data are needed to prove that conclusively. Therefore, this variant has been classified as Likely Pathogenic. This missense change has been observed in individuals with cystic fibrosis (PMID: 11555145, 15591474). This sequence change replaces tyrosine, which is neutral and polar, with asparagine, which is neutral and polar, at codon 109 of the CFTR protein (p.Tyr109Asn). This variant is present in population databases (rs397508522, gnomAD 0.0009%). ClinVar contains an entry for this variant (Variation ID: 53695).

Counsyl
Classification: Uncertain significance for Cystic fibrosis. Last evaluated: 2018-01-23. Review status: no assertion criteria provided. Collection method: clinical testing. Allele origin: unknown. Not counted in ClinVar's aggregate classification.

Literature cited by the submitters: PubMed 38388235 (cited by Ambry Genetics and Women's Health and Genetics/Laboratory Corporation of America, LabCorp); PubMed 15591474 (cited by 4 submitters); PubMed 12001283 (cited by Women's Health and Genetics/Laboratory Corporation of America, LabCorp); PubMed 24418186 (cited by Women's Health and Genetics/Laboratory Corporation of America, LabCorp); PubMed 34782259 (cited by Women's Health and Genetics/Laboratory Corporation of America, LabCorp); PubMed 11555145 (cited by 3 submitters); PubMed 32539862 (cited by Labcorp Genetics (formerly Invitae), Labcorp).

NM_000492.4(CFTR):c.325T>A (p.Tyr109Asn)

Gene: CFTR (CF transmembrane conductance regulator; plus strand). Cytogenetic location: 7q31.2.
Variant type: single nucleotide variant.
Coding change: c.325T>A on transcript NM_000492.4 (MANE Select); coding-DNA position 325, T replaced by A.
Protein change: p.Tyr109Asn; replaces tyrosine 109 with asparagine.
Molecular consequence: missense variant.
Genome position (GRCh38, 1-based): chr7:117,530,950, T>A. VCF-style: chr7-117530950-T-A. GRCh37 (hg19) VCF-style: chr7-117171004-T-A.
Other names: short protein forms Y109N.
Identifiers: ClinVar variation 53695 (VCV000053695.13), dbSNP rs397508522, ClinGen allele CA327114.
Genomic context (GRCh38, chr7:117,530,950, plus strand): 5'-CTTTTGTAGGAAGTCACCAAAGCAGTACAGCCTCTCTTACTGGGAAGAATCATAGCTTCC[T>A]ATGACCCGGATAACAAGGAGGAACGCTCTATCGCGATTTATCTAGGCATAGGCTTATGCC-3'
Protein context (NP_000483.3, residues 99-119): PLLLGRIIAS[Tyr109Asn]DPDNKEERSI